The following is an entry in ClinVar:

ClinVar aggregate classification (germline): Uncertain significance (1 of 4 stars; one submission).

Conditions:
Developmental and epileptic encephalopathy, 9 (DEE9). Also called: Early infantile epileptic encephalopathy 9; EPILEPSY, FEMALE-RESTRICTED, WITH MENTAL RETARDATION; PCDH19-Related X-Linked Female-Limited Epilepsy with Mental Retardation; JUBERG-HELLMAN SYNDROME. Identifiers: Orphanet 101039, Orphanet 2076, MedGen C1848137, MONDO:0010246, OMIM 300088. Disease mechanism: loss of function.

gnomAD v4.1: 1 of 1,210,202 alleles (0.000083%); no homozygotes.

Submission:

Labcorp Genetics (formerly Invitae), Labcorp
Classification: Uncertain significance for Developmental and epileptic encephalopathy, 9. Last evaluated: 2023-08-17. Review status: criteria provided, single submitter. Criteria: Invitae Variant Classification Sherloc (09022015). Collection method: clinical testing. Allele origin: germline.
Comment: ClinVar contains an entry for this variant (Variation ID: 1926845). In summary, the available evidence is currently insufficient to determine the role of this variant in disease. Therefore, it has been classified as a Variant of Uncertain Significance. Advanced modeling of protein sequence and biophysical properties (such as structural, functional, and spatial information, amino acid conservation, physicochemical variation, residue mobility, and thermodynamic stability) has been performed at Invitae for this missense variant, however the output from this modeling did not meet the statistical confidence thresholds required to predict the impact of this variant on PCDH19 protein function. This variant has not been reported in the literature in individuals affected with PCDH19-related conditions. This variant is not present in population databases (gnomAD no frequency). This sequence change replaces leucine, which is neutral and non-polar, with serine, which is neutral and polar, at codon 677 of the PCDH19 protein (p.Leu677Ser).

NM_001184880.2(PCDH19):c.2030T>C (p.Leu677Ser)

Gene: PCDH19 (protocadherin 19; minus strand). Cytogenetic location: Xq22.1.
Variant type: single nucleotide variant.
Coding change: c.2030T>C on transcript NM_001184880.2 (MANE Select); coding-DNA position 2030, T replaced by C.
Protein change: p.Leu677Ser; replaces leucine 677 with serine.
Molecular consequence: missense variant.
Genome position (GRCh38, 1-based): chrX:100,406,568, A>G on the plus strand (T>C on the coding strand, the complement: PCDH19 is on the minus strand). VCF-style: chrX-100406568-A-G. GRCh37 (hg19) VCF-style: chrX-99661566-A-G.
Other names: c.2030T>C, p.Leu677Ser (NM_001105243.2, NM_020766.3); short protein forms L677S.
Identifiers: ClinVar variation 1926845 (VCV001926845.5), dbSNP rs2520975926, ClinGen allele CA414001443.
Genomic context (GRCh38, chrX:100,406,568, plus strand): 5'-ATCATAGTTACAAAGAGGATGCCCGCAATGGAGCCCAGGGCAATAATGAAAATCAAGGAC[A>G]AGTTCACAGAGCCCATTGACTCTTGGGCATCGAGAGCAGGGGACAAGTAGATTAGGACGA-3'
Protein context (NP_001171809.1, residues 667-687): DAQESMGSVN[Leu677Ser]SLIFIIALGS